The following is an entry in ClinVar:

ClinVar aggregate classification (germline): Uncertain significance (1 of 4 stars; one submission).

Allele frequency attached by ClinVar (database versions not stated): gnomAD 0.00003 and 0.00004.
gnomAD v4.1: 8 of 1,613,946 alleles (0.0005%); highest among the groups gnomAD compares: East Asian, 0.0089%; no homozygotes.

Submissions (2):

Labcorp Genetics (formerly Invitae), Labcorp
Classification: Uncertain significance. Last evaluated: 2023-09-28. Review status: criteria provided, single submitter. Criteria: Invitae Variant Classification Sherloc (09022015). Collection method: clinical testing. Allele origin: germline.
Comment: This sequence change replaces arginine, which is basic and polar, with leucine, which is neutral and non-polar, at codon 1652 of the RP1 protein (p.Arg1652Leu). This variant is present in population databases (rs760740229, gnomAD 0.01%). This missense change has been observed in individual(s) with retinitis pigmentosa (PMID: 20664799). ClinVar contains an entry for this variant (Variation ID: 1519446). An algorithm developed to predict the effect of missense changes on protein structure and function (PolyPhen-2) suggests that this variant is likely to be tolerated. In summary, the available evidence is currently insufficient to determine the role of this variant in disease. Therefore, it has been classified as a Variant of Uncertain Significance.

Dr. Peter K. Rogan Lab, Western University
No classification provided (evidence only). Condition: Familial cancer of breast. Review status: no classification provided. Collection method: in vitro. Allele origin: not applicable. Functional consequence: retained intron. Not counted in ClinVar's aggregate classification.

Literature cited by the submitters: PubMed 20664799 (cited by Labcorp Genetics (formerly Invitae), Labcorp).

NM_006269.2(RP1):c.4955G>T (p.Arg1652Leu)

Genes: RP1 (RP1 axonemal microtubule associated; plus strand), LOC126860392 (CDK7 strongly-dependent group 2 enhancer GRCh37_chr8:55541319-55542518; plus strand). Cytogenetic location: 8q12.1.
Variant type: single nucleotide variant.
Coding change: c.4955G>T on transcript NM_006269.2 (MANE Select); coding-DNA position 4955, G replaced by T.
Protein change: p.Arg1652Leu; replaces arginine 1652 with leucine.
Molecular consequence: missense variant. On other transcripts: intron variant (1).
Genome position (GRCh38, 1-based): chr8:54,628,837, G>T. VCF-style: chr8-54628837-G-T. GRCh37 (hg19) VCF-style: chr8-55541397-G-T.
Other names: c.787+6549G>T (NM_001375654.1); short protein forms R1652L.
Identifiers: ClinVar variation 1519446 (VCV001519446.9), dbSNP rs760740229, ClinGen allele CA4751978.